The following is an entry in ClinVar:

NM_001235.5(SERPINH1):c.1119C>T (p.Arg373=)

Gene: SERPINH1 (serpin family H member 1; plus strand). Cytogenetic location: 11q13.5.
Variant type: single nucleotide variant.
Coding change: c.1119C>T on transcript NM_001235.5 (MANE Select); coding-DNA position 1119, C replaced by T.
Protein change: p.Arg373=; no amino-acid change (arginine 373 retained).
Molecular consequence: synonymous variant.
Genome position (GRCh38, 1-based): chr11:75,571,945, C>T. VCF-style: chr11-75571945-C-T. GRCh37 (hg19) VCF-style: chr11-75282990-C-T.
Other names: c.1119C>T, p.Arg373= (NM_001207014.3).
Identifiers: ClinVar variation 717684 (VCV000717684.26), dbSNP rs375913094, ClinGen allele CA6191018.

ClinVar aggregate classification (germline): Conflicting classifications of pathogenicity. Review status: criteria provided, conflicting classifications (1 of 4 stars). 6 submissions from 6 submitters: Uncertain significance (1); Likely benign (4). 1 of the submissions does not count toward it. Last evaluated 2025-10-14.

Conditions:
Osteogenesis imperfecta type 10 (OI10). Also called: OI, TYPE X. Identifiers: Orphanet 666, MedGen C3151211, MONDO:0013459, OMIM 613848.
SERPINH1-related disorder. Also called: SERPINH1-related condition.

Allele frequency attached by ClinVar (database versions not stated): gnomAD exomes 0.00016 and 0.00044; ExAC 0.00021; TOPMed 0.00021; gnomAD 0.00026; ESP Exome Variant Server 0.00031.
gnomAD v4.1: 670 of 1,614,074 alleles (0.042%); highest among the groups gnomAD compares: Non-Finnish European, 0.055%; no homozygotes.

Submissions (6):

Labcorp Genetics (formerly Invitae), Labcorp
Classification: Likely benign. Last evaluated: 2025-10-14. Review status: criteria provided, single submitter. Criteria: Invitae Variant Classification Sherloc (09022015). Collection method: clinical testing. Allele origin: germline.

Blueprint Genetics
Classification: Likely benign. Last evaluated: 2024-07-11. Review status: criteria provided, single submitter. Criteria: ACMG Guidelines, 2015. Collection method: clinical testing. Allele origin: germline.

ARUP Laboratories, Molecular Genetics and Genomics, ARUP Laboratories
Classification: Likely benign. Last evaluated: 2024-06-21. Review status: criteria provided, single submitter. Criteria: ARUP Molecular Germline Variant Investigation Process 2024. Collection method: clinical testing. Allele origin: germline.

GeneDx
Classification: Likely benign. Last evaluated: 2021-02-08. Review status: criteria provided, single submitter. Criteria: GeneDx Variant Classification Process June 2021. Collection method: clinical testing. Allele origin: germline. Affected: yes.

Illumina Laboratory Services, Illumina
Classification: Uncertain significance for Osteogenesis imperfecta type 10. Last evaluated: 2017-04-27. Review status: criteria provided, single submitter. Criteria: ICSL Variant Classification Criteria 13 December 2019. Collection method: clinical testing. Allele origin: germline.

PreventionGenetics, part of Exact Sciences
Classification: Likely benign for SERPINH1-related condition. Last evaluated: 2019-02-28. Review status: no assertion criteria provided. Collection method: clinical testing. Allele origin: germline. Not counted in ClinVar's aggregate classification.
Comment: This variant is classified as likely benign based on ACMG/AMP sequence variant interpretation guidelines (Richards et al. 2015 PMID: 25741868, with internal and published modifications).